The following is an entry in ClinVar:

ClinVar aggregate classification (germline): Uncertain significance (1 of 4 stars; one submission).

Allele frequency attached by ClinVar (database versions not stated): TOPMed 0.00001; gnomAD 0.00002; ExAC 0.00003; gnomAD exomes 0.00003.

Submission:

Labcorp Genetics (formerly Invitae), Labcorp
Classification: Uncertain significance. Last evaluated: 2025-08-22. Review status: criteria provided, single submitter. Criteria: Invitae Variant Classification Sherloc (09022015). Collection method: clinical testing. Allele origin: germline.
Comment: This sequence change replaces alanine, which is neutral and non-polar, with threonine, which is neutral and polar, at codon 344 of the GATA5 protein (p.Ala344Thr). The frequency data for this variant in the population databases is considered unreliable, as metrics indicate poor data quality at this position in the gnomAD database. This variant has not been reported in the literature in individuals affected with GATA5-related conditions. ClinVar contains an entry for this variant (Variation ID: 1364595). Invitae Evidence Modeling of protein sequence and biophysical properties (such as structural, functional, and spatial information, amino acid conservation, physicochemical variation, residue mobility, and thermodynamic stability) indicates that this missense variant is not expected to disrupt GATA5 protein function with a negative predictive value of 80%. In summary, the available evidence is currently insufficient to determine the role of this variant in disease. Therefore, it has been classified as a Variant of Uncertain Significance.

NM_080473.5(GATA5):c.1030G>A (p.Ala344Thr)

Gene: GATA5 (GATA binding protein 5; minus strand). Cytogenetic location: 20q13.33.
Variant type: single nucleotide variant.
Coding change: c.1030G>A on transcript NM_080473.5 (MANE Select); coding-DNA position 1030, G replaced by A.
Protein change: p.Ala344Thr; replaces alanine 344 with threonine.
Molecular consequence: missense variant.
Genome position (GRCh38, 1-based): chr20:62,465,348, C>T on the plus strand (G>A on the coding strand, the complement: GATA5 is on the minus strand). VCF-style: chr20-62465348-C-T. GRCh37 (hg19) VCF-style: chr20-61040404-C-T.
Other names: short protein forms A344T.
Identifiers: ClinVar variation 1364595 (VCV001364595.6), dbSNP rs782773118, ClinGen allele CA9946087.